The following is an entry in ClinVar:

ClinVar aggregate classification (germline): Uncertain significance (1 of 4 stars; one submission).

Conditions:
Combined immunodeficiency due to ZAP70 deficiency (IMD48). Also called: Immunodeficiency 48; ZAP70 Deficiency. Identifiers: Orphanet 911, MedGen C2931299, MONDO:0010023, OMIM 269840.

Submission:

Labcorp Genetics (formerly Invitae), Labcorp
Classification: Uncertain significance for Combined immunodeficiency due to ZAP70 deficiency. Last evaluated: 2021-06-25. Review status: criteria provided, single submitter. Criteria: Invitae Variant Classification Sherloc (09022015). Collection method: clinical testing. Allele origin: germline.
Comment: In summary, the available evidence is currently insufficient to determine the role of this variant in disease. Therefore, it has been classified as a Variant of Uncertain Significance. Experimental studies and prediction algorithms are not available or were not evaluated, and the functional significance of this variant is currently unknown. This variant has not been reported in the literature in individuals with ZAP70-related conditions. This variant results in a copy number gain of the genomic region encompassing exon(s) 5-14 of the ZAP70 gene. The 5' boundary is likely confined to intron 4. The 3' end of this event is unknown as it extends beyond the assayed region for this gene and therefore may encompass additional genes. As the precise location of this event is unknown, it may be in tandem or it may be located elsewhere in the genome.

NC_000002.11:g.(?_98349326)_(98355961_?)dup

Gene: ZAP70 (zeta chain of T cell receptor associated protein kinase 70; plus strand). Cytogenetic location: 2q11.2.
Variant type: Duplication.
Identifiers: ClinVar variation 1410102 (VCV001410102.5).